The following is an entry in ClinVar:

ClinVar aggregate classification (germline): Uncertain significance (1 of 4 stars; one submission).

gnomAD v4.1: 5 of 1,613,292 alleles (0.00031%); highest among the groups gnomAD compares: South Asian, 0.0055%; no homozygotes.

Submission:

Women's Health and Genetics/Laboratory Corporation of America, LabCorp
Classification: Uncertain significance. Last evaluated: 2025-11-07. Review status: criteria provided, single submitter. Criteria: LabCorp Variant Classification Summary - May 2015. Collection method: clinical testing. Allele origin: germline.
Comment: Variant summary: ABCA3 c.3860A>G (p.Tyr1287Cys) results in a non-conservative amino acid change in the encoded protein sequence. Algorithms developed to predict the effect of missense changes on protein structure and function all suggest that this variant is likely to be disruptive. Several computational tools predict a significant impact on normal splicing: Three predict the variant weakens a canonical 5' donor site, whereas one predicts the variant has no significant impact on splicing. However, these predictions have yet to be confirmed by functional studies. The variant allele was found at a frequency of 4e-06 in 249826 control chromosomes. The available data on variant occurrences in the general population are insufficient to allow any conclusion about variant significance. To our knowledge, no occurrence of c.3860A>G in individuals affected with ABCA3-related conditions and no experimental evidence demonstrating its impact on protein function have been reported. No submitters have cited clinical-significance assessments for this variant to ClinVar. Based on the evidence outlined above, the variant was classified as uncertain significance.

NM_001089.3(ABCA3):c.3860A>G (p.Tyr1287Cys)

Gene: ABCA3 (ATP binding cassette subfamily A member 3; minus strand). Cytogenetic location: 16p13.3.
Variant type: single nucleotide variant.
Coding change: c.3860A>G on transcript NM_001089.3 (MANE Select); coding-DNA position 3860, A replaced by G.
Protein change: p.Tyr1287Cys; replaces tyrosine 1287 with cysteine.
Molecular consequence: missense variant.
Genome position (GRCh38, 1-based): chr16:2,284,281, T>C on the plus strand (A>G on the coding strand, the complement: ABCA3 is on the minus strand). VCF-style: chr16-2284281-T-C. GRCh37 (hg19) VCF-style: chr16-2334282-T-C.
Other names: short protein forms Y1287C.
Identifiers: ClinVar variation 4536952 (VCV004536952.1).